The following is an entry in ClinVar:

ClinVar aggregate classification (germline): Uncertain significance (1 of 4 stars; one submission).

Submission:

Labcorp Genetics (formerly Invitae), Labcorp
Classification: Uncertain significance. Last evaluated: 2025-08-15. Review status: criteria provided, single submitter. Criteria: Invitae Variant Classification Sherloc (09022015). Collection method: clinical testing. Allele origin: germline.
Comment: This sequence change replaces leucine, which is neutral and non-polar, with proline, which is neutral and non-polar, at codon 451 of the POLE2 protein (p.Leu451Pro). This variant is not present in population databases (gnomAD no frequency). This variant has not been reported in the literature in individuals affected with POLE2-related conditions. ClinVar contains an entry for this variant (Variation ID: 2714888). An algorithm developed to predict the effect of missense changes on protein structure and function (PolyPhen-2) suggests that this variant is likely to be disruptive. In summary, the available evidence is currently insufficient to determine the role of this variant in disease. Therefore, it has been classified as a Variant of Uncertain Significance.

NM_002692.4(POLE2):c.1352T>C (p.Leu451Pro)

Gene: POLE2 (DNA polymerase epsilon 2, accessory subunit; minus strand). Cytogenetic location: 14q21.3.
Variant type: single nucleotide variant.
Coding change: c.1352T>C on transcript NM_002692.4 (MANE Select); coding-DNA position 1352, T replaced by C.
Protein change: p.Leu451Pro; replaces leucine 451 with proline.
Molecular consequence: missense variant.
Genome position (GRCh38, 1-based): chr14:49,650,410, A>G on the plus strand (T>C on the coding strand, the complement: POLE2 is on the minus strand). VCF-style: chr14-49650410-A-G. GRCh37 (hg19) VCF-style: chr14-50117128-A-G.
Other names: c.1274T>C, p.Leu425Pro (NM_001197330.2); c.1352T>C, p.Leu451Pro (NM_001197331.3); c.1349T>C, p.Leu450Pro (NM_001348384.2); c.1121T>C, p.Leu374Pro (NM_001348385.2); short protein forms L374P, L425P, L451P, L450P.
Identifiers: ClinVar variation 2714888 (VCV002714888.3), dbSNP rs2502809436, ClinGen allele CA389636912.